The following is an entry in ClinVar:

ClinVar aggregate classification (germline): Uncertain significance (1 of 4 stars; one submission).

Submission:

Labcorp Genetics (formerly Invitae), Labcorp
Classification: Uncertain significance. Last evaluated: 2024-11-10. Review status: criteria provided, single submitter. Criteria: Invitae Variant Classification Sherloc (09022015). Collection method: clinical testing. Allele origin: germline.
Comment: This sequence change replaces aspartic acid, which is acidic and polar, with valine, which is neutral and non-polar, at codon 311 of the IMPDH1 protein (p.Asp311Val). This variant is not present in population databases (gnomAD no frequency). This variant has not been reported in the literature in individuals affected with IMPDH1-related conditions. An algorithm developed to predict the effect of missense changes on protein structure and function (PolyPhen-2) suggests that this variant is likely to be disruptive. This variant disrupts the p.Asp311 amino acid residue in IMPDH1. Other variant(s) that disrupt this residue have been determined to be pathogenic (PMID: 11875050, 28945494). This suggests that this residue is clinically significant, and that variants that disrupt this residue are likely to be disease-causing. In summary, the available evidence is currently insufficient to determine the role of this variant in disease. Therefore, it has been classified as a Variant of Uncertain Significance.

Literature cited by the submitters: PubMed 11875050; PubMed 28945494.

NM_000883.4(IMPDH1):c.932A>T (p.Asp311Val)

Gene: IMPDH1 (inosine monophosphate dehydrogenase 1; minus strand). Cytogenetic location: 7q32.1.
Variant type: single nucleotide variant.
Coding change: c.932A>T on transcript NM_000883.4 (MANE Select); coding-DNA position 932, A replaced by T.
Protein change: p.Asp311Val; replaces aspartic acid 311 with valine.
Molecular consequence: missense variant.
Genome position (GRCh38, 1-based): chr7:128,398,556, T>A on the plus strand (A>T on the coding strand, the complement: IMPDH1 is on the minus strand). VCF-style: chr7-128398556-T-A. GRCh37 (hg19) VCF-style: chr7-128038610-T-A.
Other names: c.824A>T, p.Asp275Val (NM_183243.3); c.902A>T, p.Asp301Val (NM_001102605.2); c.677A>T, p.Asp226Val (NM_001142573.2); c.662A>T, p.Asp221Val (NM_001142574.2); c.602A>T, p.Asp201Val (NM_001142575.2); c.833A>T, p.Asp278Val (NM_001142576.2); c.725A>T, p.Asp242Val (NM_001304521.2); short protein forms D201V, D242V, D275V, D221V, D278V, D311V, D226V, D301V.
Identifiers: ClinVar variation 3724960 (VCV003724960.2).